The following is an entry in ClinVar:

ClinVar aggregate classification (germline): Uncertain significance (1 of 4 stars; one submission).

Allele frequency attached by ClinVar (database versions not stated): gnomAD exomes below 0.00001 and 0.00003; TOPMed below 0.00001.
gnomAD v4.1: 42 of 1,604,378 alleles (0.0026%); highest among the groups gnomAD compares: Middle Eastern, 0.017%; no homozygotes.

Submission:

GeneDx
Classification: Uncertain significance. Last evaluated: 2016-11-15. Review status: criteria provided, single submitter. Criteria: GeneDx Variant Classification (06012015). Collection method: clinical testing. Allele origin: germline. Affected: yes.
Comment: A variant of uncertain significance has been identified in the SH3TC2 gene. The P50S variant has not been published as a pathogenic variant, nor has it been reported as a benign variant to our knowledge. It was not observed in approximately 6,500 individuals of European and African American ancestry in the NHLBI Exome Sequencing Project, indicating it is not a common benign variant in these populations. The P50S variant is a non-conservative amino acid substitution, which is likely to impact secondary protein structure as these residues differ in polarity, charge, size and/or other properties. However, this substitution occurs at a position that is not conserved. In silico analysis is inconsistent in its predictions as to whether or not the variant is damaging to the protein structure/function. Therefore, based on the currently available information, it is unclear whether this variant is a pathogenic variant or a rare benign variant.

NM_024577.4(SH3TC2):c.148C>T (p.Pro50Ser)

Gene: SH3TC2 (SH3 domain and tetratricopeptide repeats 2; minus strand). Cytogenetic location: 5q32.
Variant type: single nucleotide variant.
Coding change: c.148C>T on transcript NM_024577.4 (MANE Select); coding-DNA position 148, C replaced by T.
Protein change: p.Pro50Ser; replaces proline 50 with serine.
Molecular consequence: missense variant.
Genome position (GRCh38, 1-based): chr5:149,052,145, G>A on the plus strand (C>T on the coding strand, the complement: SH3TC2 is on the minus strand). VCF-style: chr5-149052145-G-A. GRCh37 (hg19) VCF-style: chr5-148431708-G-A.
Other names: short protein forms P50S.
Identifiers: ClinVar variation 373355 (VCV000373355.1), dbSNP rs1057518369, ClinGen allele CA16042583.